The following is an entry in ClinVar:

NM_015164.4(PLEKHM2):c.680C>T (p.Ala227Val)

Gene: PLEKHM2 (pleckstrin homology and RUN domain containing M2; plus strand). Cytogenetic location: 1p36.21.
Variant type: single nucleotide variant.
Coding change: c.680C>T on transcript NM_015164.4 (MANE Select); coding-DNA position 680, C replaced by T.
Protein change: p.Ala227Val; replaces alanine 227 with valine.
Molecular consequence: missense variant. On other transcripts: intron variant (1).
Genome position (GRCh38, 1-based): chr1:15,721,356, C>T. VCF-style: chr1-15721356-C-T. GRCh37 (hg19) VCF-style: chr1-16047851-C-T.
Other names: c.652+1436C>T (NM_001410755.1); short protein forms A227V.
Identifiers: ClinVar variation 2738131 (VCV002738131.3), dbSNP rs1304959070, ClinGen allele CA338582098.
Genomic context (GRCh38, chr1:15,721,356, plus strand): 5'-TCTAATCTTCAGTTTTGTCCCTCGTTTTTGTAGATTATGATTTTGGAGATGTGTTTCCAG[C>T]AGTGCCGTCTGTACCCAGCACAGACTGGGAAGGTGGGCCAGAGTCCGCTGTTACCCTCTT-3'
Protein context (NP_055979.2, residues 217-237): EDYDFGDVFP[Ala227Val]VPSVPSTDWE

ClinVar aggregate classification (germline): Uncertain significance (1 of 4 stars; one submission).

Allele frequency attached by ClinVar (database versions not stated): TOPMed 0.00001.
gnomAD v4.1: 2 of 1,570,918 alleles (0.00013%); highest among the groups gnomAD compares: Admixed American, 0.0019%; no homozygotes.

Submission:

Labcorp Genetics (formerly Invitae), Labcorp
Classification: Uncertain significance. Last evaluated: 2022-12-30. Review status: criteria provided, single submitter. Criteria: Invitae Variant Classification Sherloc (09022015). Collection method: clinical testing. Allele origin: germline.
Comment: Algorithms developed to predict the effect of missense changes on protein structure and function are either unavailable or do not agree on the potential impact of this missense change (SIFT: "Tolerated"; PolyPhen-2: "Possibly Damaging"; Align-GVGD: "Class C0"). This variant has not been reported in the literature in individuals affected with PLEKHM2-related conditions. This variant is not present in population databases (gnomAD no frequency). This sequence change replaces alanine, which is neutral and non-polar, with valine, which is neutral and non-polar, at codon 227 of the PLEKHM2 protein (p.Ala227Val). Algorithms developed to predict the effect of sequence changes on RNA splicing suggest that this variant may disrupt the consensus splice site. In summary, the available evidence is currently insufficient to determine the role of this variant in disease. Therefore, it has been classified as a Variant of Uncertain Significance.